The following is an entry in ClinVar:

ClinVar aggregate classification (germline): Conflicting classifications of pathogenicity. Review status: criteria provided, conflicting classifications (1 of 4 stars). 3 submissions from 3 submitters: Uncertain significance (1); Likely benign (2). Last evaluated 2026-01-21.

Conditions:
MYH9-related disorder. Identifiers: MedGen C1854520.
Autosomal dominant nonsyndromic hearing loss 17. Also called: Deafness, autosomal dominant 17; Autosomal dominant nonsyndromic deafness 17. Identifiers: Orphanet 90635, MedGen C1863659, MONDO:0011350, OMIM 603622.
Macrothrombocytopenia and granulocyte inclusions with or without nephritis or sensorineural hearing loss (MATINS). Also called: BLEEDING DISORDER, PLATELET-TYPE, 6; MAY-HEGGLIN ANOMALY; MYH9-Related Disease (MYH9-RD); DOHLE LEUKOCYTE INCLUSIONS WITH GIANT PLATELETS; MACROTHROMBOCYTOPENIA WITH LEUKOCYTE INCLUSIONS; MACROTHROMBOCYTOPENIA, NEPHRITIS, AND DEAFNESS. Identifiers: Orphanet 182050, MedGen C5200934, MONDO:0015912, OMIM 155100.

Allele frequency attached by ClinVar (database versions not stated): gnomAD 0.00001; gnomAD exomes 0.00001; TOPMed 0.00004; ESP Exome Variant Server 0.00008.
gnomAD v4.1: 14 of 1,613,372 alleles (0.00087%); highest among the groups gnomAD compares: African/African-American, 0.0053%; no homozygotes.

Submissions (3):

PreventionGenetics, part of Exact Sciences
Classification: Uncertain significance for MYH9-related condition. Last evaluated: 2026-01-21. Review status: criteria provided, single submitter. Criteria: ACMG Guidelines, 2015. Collection method: clinical testing. Allele origin: germline.
Comment: The MYH9 c.3452C>T variant is predicted to result in the amino acid substitution p.Thr1151Met. This variant was reported in an individual with May-Hegglin anomaly and was inherited from the affected father (Yang et al. 2019. PubMed ID: 30720677). This variant is reported in 0.0062% of alleles in individuals of African descent in gnomAD. At this time, the clinical significance of this variant is uncertain due to the absence of conclusive functional and genetic evidence.

Labcorp Genetics (formerly Invitae), Labcorp
Classification: Likely benign. Last evaluated: 2025-01-06. Review status: criteria provided, single submitter. Criteria: Invitae Variant Classification Sherloc (09022015). Collection method: clinical testing. Allele origin: germline.

Fulgent Genetics
Classification: Likely benign for Macrothrombocytopenia and granulocyte inclusions with or without nephritis or sensorineural hearing loss; Autosomal dominant nonsyndromic hearing loss 17. Last evaluated: 2024-06-18. Review status: criteria provided, single submitter. Criteria: ACMG Guidelines, 2015. Collection method: clinical testing. Allele origin: germline.

NM_002473.6(MYH9):c.3452C>T (p.Thr1151Met)

Gene: MYH9 (myosin heavy chain 9; minus strand). Cytogenetic location: 22q12.3.
Variant type: single nucleotide variant.
Coding change: c.3452C>T on transcript NM_002473.6 (MANE Select); coding-DNA position 3452, C replaced by T.
Protein change: p.Thr1151Met; replaces threonine 1151 with methionine.
Molecular consequence: missense variant.
Genome position (GRCh38, 1-based): chr22:36,295,538, G>A on the plus strand (C>T on the coding strand, the complement: MYH9 is on the minus strand). VCF-style: chr22-36295538-G-A. GRCh37 (hg19) VCF-style: chr22-36691584-G-A.
Other names: c.3452C>T (NM_002473.5); short protein forms T1151M.
Identifiers: ClinVar variation 1425680 (VCV001425680.9), dbSNP rs375081687, ClinGen allele CA323593951.